The following is an entry in ClinVar:

NM_004260.4(RECQL4):c.3055+1G>A

Gene: RECQL4 (RecQ like helicase 4; minus strand). Cytogenetic location: 8q24.3.
Variant type: single nucleotide variant.
Coding change: c.3055+1G>A on transcript NM_004260.4 (MANE Select); the canonical splice donor site of the intron after coding-DNA position 3055, G replaced by A.
Molecular consequence: splice donor variant.
Genome position (GRCh38, 1-based): chr8:144,512,391, C>T on the plus strand (G>A on the coding strand, the complement: RECQL4 is on the minus strand). VCF-style: chr8-144512391-C-T. GRCh37 (hg19) VCF-style: chr8-145737774-C-T.
Other names: c.1984+1G>A (NM_001413028.1, NM_001413034.1, NM_001413022.1 and 4 more transcripts); c.1588+1G>A (NM_001413043.1); c.1786+1G>A (NM_001413031.1, NM_001413038.1); c.1918+1G>A (NM_001413030.1, NM_001413032.1, NM_001413027.1); c.1993+1G>A (NM_001413041.1); c.1954+1G>A (NM_001413042.1); c.1852+1G>A (NM_001413037.1); c.2059+1G>A (NM_001413023.1); and 9 more.
Identifiers: ClinVar variation 1523504 (VCV001523504.8), dbSNP rs368585080, ClinGen allele CA4947963.
Genomic context (GRCh38, chr8:144,512,391, plus strand): 5'-GAAAGCATGTCAGATGCAGGCAGGCAGCGTCCAGGGCGGTGTGGGGTGGGGAGAGGCGCA[C>T]CTGTCCTGGGCTCGTGGTCCCACTGCAGCTGGCAGAGAGCCCGCCGCACAGAGGCCAGCT-3'

ClinVar aggregate classification (germline): Likely pathogenic (1 of 4 stars; one submission).

Conditions:
Baller-Gerold syndrome (BGS). Also called: CRANIOSYNOSTOSIS WITH RADIAL DEFECTS. Identifiers: Orphanet 1225, MedGen C0265308, MONDO:0009039, OMIM 218600.

Allele frequency attached by ClinVar (database versions not stated): gnomAD exomes below 0.00001; TOPMed 0.00001; ExAC 0.00002; ESP Exome Variant Server 0.00008.

Submission:

Labcorp Genetics (formerly Invitae), Labcorp
Classification: Likely pathogenic for Baller-Gerold syndrome. Last evaluated: 2022-06-28. Review status: criteria provided, single submitter. Criteria: Invitae Variant Classification Sherloc (09022015). Collection method: clinical testing. Allele origin: germline.
Comment: The frequency data for this variant in the population databases is considered unreliable, as metrics indicate poor data quality at this position in the gnomAD database. This sequence change affects a donor splice site in intron 17 of the RECQL4 gene. It is expected to disrupt RNA splicing. Variants that disrupt the donor or acceptor splice site typically lead to a loss of protein function (PMID: 16199547), and loss-of-function variants in RECQL4 are known to be pathogenic (PMID: 12734318, 12952869). This variant has not been reported in the literature in individuals affected with RECQL4-related conditions. Algorithms developed to predict the effect of sequence changes on RNA splicing suggest that this variant may disrupt the consensus splice site. In summary, the currently available evidence indicates that the variant is pathogenic, but additional data are needed to prove that conclusively. Therefore, this variant has been classified as Likely Pathogenic.

Literature cited by the submitters: PubMed 16199547; PubMed 12734318; PubMed 12952869.